The following is an entry in ClinVar:

NM_006121.4(KRT1):c.1666G>C (p.Gly556Arg)

Gene: KRT1 (keratin 1; minus strand). Cytogenetic location: 12q13.13.
Variant type: single nucleotide variant.
Coding change: c.1666G>C on transcript NM_006121.4 (MANE Select); coding-DNA position 1666, G replaced by C.
Protein change: p.Gly556Arg; replaces glycine 556 with arginine.
Molecular consequence: missense variant.
Genome position (GRCh38, 1-based): chr12:52,675,462, C>G on the plus strand (G>C on the coding strand, the complement: KRT1 is on the minus strand). VCF-style: chr12-52675462-C-G. GRCh37 (hg19) VCF-style: chr12-53069246-C-G.
Other names: short protein forms G556R.
Identifiers: ClinVar variation 156713 (VCV000156713.1), dbSNP rs371843007, ClinGen allele CA248416.
Genomic context (GRCh38, chr12:52,675,462, plus strand): 5'-CATGGCCGCCGCCGCCACCTCCAGAGCCATAGCTGCCACCTCCGGAGCCGTAGCTGCTAC[C>G]TCCGGAGCCATAGCTGCCACGGCCGCCGCCGCCGCCACCTCCAGAACCATAGCTACCACC-3'
Protein context (NP_006112.3, residues 546-566): GGGRGSYGSG[Gly556Arg]SSYGSGGGSY

ClinVar aggregate classification (germline): not provided (0 of 4 stars; one submission).

Submission:

James Howe Lab, University of Iowa Hospital and Clinics
No classification provided. Review status: no classification provided. Collection method: not provided. Allele origin: unknown.
Comment: Analysis of CDKN1B mutations in 86 patients with small bowel neuroendocrine tumors and 68 patients with pancreas neuroendocrine tumors.